The following is an entry in ClinVar:

NM_024675.4(PALB2):c.874C>T (p.Gln292Ter)

Gene: PALB2 (partner and localizer of BRCA2; minus strand). Cytogenetic location: 16p12.2.
Variant type: single nucleotide variant.
Coding change: c.874C>T on transcript NM_024675.4 (MANE Select); coding-DNA position 874, C replaced by T.
Protein change: p.Gln292Ter; replaces glutamine 292 with a stop codon.
Molecular consequence: nonsense. On other transcripts: 5 prime UTR variant (8), intron variant (3).
Genome position (GRCh38, 1-based): chr16:23,635,672, G>A on the plus strand (C>T on the coding strand, the complement: PALB2 is on the minus strand). VCF-style: chr16-23635672-G-A. GRCh37 (hg19) VCF-style: chr16-23646993-G-A.
Other names: c.814C>T, p.Gln272Ter (NM_001407296.1); c.874C>T, p.Gln292Ter (NM_001407297.1, NM_001407298.1, NM_001407299.1 and 3 more transcripts); c.-12C>T (NM_001407304.1, NM_001407305.1, NM_001407306.1 and 5 more transcripts); c.48+5438C>T (NM_001407314.1); c.-104-5203C>T (NM_001407313.1, NM_001407312.1); short protein forms Q272*, Q292*.
Identifiers: ClinVar variation 2573617 (VCV002573617.5), dbSNP rs1335897946, ClinGen allele CA395135773.

ClinVar aggregate classification (germline): Pathogenic. Review status: criteria provided, multiple submitters, no conflicts (2 of 4 stars). 3 submissions from 3 submitters: Pathogenic (3). Last evaluated 2023-09-07.

Conditions:
Hereditary breast ovarian cancer syndrome. Also called: Breast and ovarian cancer; Hereditary breast and ovarian cancer; Hereditary breast and ovarian cancer syndrome (HBOC); Hereditary breast and/or ovarian cancer syndrome; Hereditary breast and ovarian cancer syndrome; BRCA1- and BRCA2-Associated Hereditary Breast and Ovarian Cancer. Identifiers: Orphanet 145, MedGen C0677776, MeSH D061325, MONDO:0003582. Disease mechanism: loss of function.
Familial cancer of breast. Also called: hereditary breast carcinoma; Hereditary breast cancer; BREAST CANCER, FAMILIAL. Identifiers: Orphanet 227535, MedGen C0346153, MONDO:0016419, OMIM 114480. Disease mechanism: loss of function.

Submissions (3):

Myriad Genetics, Inc.
Classification: Pathogenic for Familial cancer of breast. Last evaluated: 2023-09-07. Review status: criteria provided, single submitter. Criteria: Myriad Autosomal Dominant, Autosomal Recessive and X-Linked Classification Criteria (2023). Collection method: clinical testing. Allele origin: unknown.
Comment: This variant is considered pathogenic. This variant creates a termination codon and is predicted to result in premature protein truncation.

Women's Health and Genetics/Laboratory Corporation of America, LabCorp
Classification: Pathogenic for Hereditary breast ovarian cancer syndrome. Last evaluated: 2023-06-23. Review status: criteria provided, single submitter. Criteria: LabCorp Variant Classification Summary - May 2015. Collection method: clinical testing. Allele origin: germline.
Comment: Variant summary: PALB2 c.874C>T (p.Gln292X) results in a premature termination codon, predicted to cause a truncation of the encoded protein or absence of the protein due to nonsense mediated decay, which are commonly known mechanisms for disease. Variants downstream of this position have been classified as pathogenic by our laboratory and in ClinVar. The variant was absent in 251106 control chromosomes (gnomAD). To our knowledge, no occurrence of c.874C>T in individuals affected with Hereditary Breast And Ovarian Cancer Syndrome and no experimental evidence demonstrating its impact on protein function have been reported. No submitters have cited clinical-significance assessments for this variant to ClinVar after 2014. Based on the evidence outlined above, the variant was classified as pathogenic.

Labcorp Genetics (formerly Invitae), Labcorp
Classification: Pathogenic for Familial cancer of breast. Last evaluated: 2023-04-26. Review status: criteria provided, single submitter. Criteria: Invitae Variant Classification Sherloc (09022015). Collection method: clinical testing. Allele origin: germline.
Comment: For these reasons, this variant has been classified as Pathogenic. This variant has not been reported in the literature in individuals affected with PALB2-related conditions. This variant is not present in population databases (gnomAD no frequency). This sequence change creates a premature translational stop signal (p.Gln292*) in the PALB2 gene. It is expected to result in an absent or disrupted protein product. Loss-of-function variants in PALB2 are known to be pathogenic (PMID: 17200668, 17200671, 17200672, 24136930, 25099575).

Literature cited by the submitters: PubMed 17200668 (cited by Labcorp Genetics (formerly Invitae), Labcorp); PubMed 17200671 (cited by Labcorp Genetics (formerly Invitae), Labcorp); PubMed 17200672 (cited by Labcorp Genetics (formerly Invitae), Labcorp); PubMed 24136930 (cited by Labcorp Genetics (formerly Invitae), Labcorp); PubMed 25099575 (cited by Labcorp Genetics (formerly Invitae), Labcorp).